The following is an entry in ClinVar:

ClinVar aggregate classification (germline): Pathogenic/Likely pathogenic. Review status: criteria provided, multiple submitters, no conflicts (2 of 4 stars). 2 submissions from 2 submitters: Pathogenic (1); Likely pathogenic (1). Last evaluated 2024-08-29.

Conditions:
X-linked Alport syndrome (ATS1). Also called: COL4A5-Related Nephropathy; NEPHROPATHY AND DEAFNESS, X-LINKED. Identifiers: Orphanet 63, Orphanet 88917, MedGen C4746986, MONDO:0010520, OMIM 301050.

Submissions (2):

Labcorp Genetics (formerly Invitae), Labcorp
Classification: Likely pathogenic. Last evaluated: 2024-08-29. Review status: criteria provided, single submitter. Criteria: Invitae Variant Classification Sherloc (09022015). Collection method: clinical testing. Allele origin: germline.
Comment: This sequence change affects a donor splice site in intron 5 of the COL4A5 gene. It is expected to disrupt RNA splicing. Variants that disrupt the donor or acceptor splice site typically lead to a loss of protein function (PMID: 16199547), and loss-of-function variants in COL4A5 are known to be pathogenic (PMID: 9195222, 10752524, 14514738, 24854265, 26809805). This variant is not present in population databases (gnomAD no frequency). This variant has not been reported in the literature in individuals affected with COL4A5-related conditions. Algorithms developed to predict the effect of sequence changes on RNA splicing suggest that this variant may disrupt the consensus splice site. In summary, the currently available evidence indicates that the variant is pathogenic, but additional data are needed to prove that conclusively. Therefore, this variant has been classified as Likely Pathogenic.

MVZ Medizinische Genetik Mainz
Classification: Pathogenic for X-linked Alport syndrome. Last evaluated: 2022-03-08. Review status: criteria provided, single submitter. Criteria: UK Practice Guidelines For Variant Classification V4 01 2020. Collection method: clinical testing. Allele origin: germline. Inheritance: X-linked dominant inheritance. Affected: yes. Observed: 1 variant allele.
Comment: ACMG Criteria: PVS1, PM2_SUP, PP4

Literature cited by the submitters: PubMed 16199547 (cited by Labcorp Genetics (formerly Invitae), Labcorp); PubMed 9195222 (cited by Labcorp Genetics (formerly Invitae), Labcorp); PubMed 10752524 (cited by Labcorp Genetics (formerly Invitae), Labcorp); PubMed 14514738 (cited by Labcorp Genetics (formerly Invitae), Labcorp); PubMed 24854265 (cited by Labcorp Genetics (formerly Invitae), Labcorp); PubMed 26809805 (cited by Labcorp Genetics (formerly Invitae), Labcorp).

NM_033380.3(COL4A5):c.321+1G>C

Gene: COL4A5 (collagen type IV alpha 5 chain; plus strand). Cytogenetic location: Xq22.3.
Variant type: single nucleotide variant.
Coding change: c.321+1G>C on transcript NM_033380.3 (MANE Select); the canonical splice donor site of the intron after coding-DNA position 321, G replaced by C.
Molecular consequence: splice donor variant.
Genome position (GRCh38, 1-based): chrX:108,568,674, G>C. VCF-style: chrX-108568674-G-C. GRCh37 (hg19) VCF-style: chrX-107811904-G-C.
Other names: c.321+1G>C (NM_000495.5).
Identifiers: ClinVar variation 3236019 (VCV003236019.3), dbSNP rs2147746303, ClinGen allele CA413918016.